The following is an entry in ClinVar:

ClinVar aggregate classification (germline): Pathogenic (1 of 4 stars; one submission).

Conditions:
Early-infantile DEE. Also called: Ohtahara syndrome; Early infantile epileptic encephalopathy with suppression bursts; Early infantile epileptic encephalopathy. Identifiers: Orphanet 1934, MedGen C0393706, MONDO:0800491.

Submission:

Labcorp Genetics (formerly Invitae), Labcorp
Classification: Pathogenic for Early-infantile DEE. Last evaluated: 2022-08-21. Review status: criteria provided, single submitter. Criteria: Invitae Variant Classification Sherloc (09022015). Collection method: clinical testing. Allele origin: germline.
Comment: This variant has not been reported in the literature in individuals affected with SCN1A-related conditions. For these reasons, this variant has been classified as Pathogenic. This variant is not present in population databases (gnomAD no frequency). This sequence change creates a premature translational stop signal (p.Asp918Ilefs*17) in the SCN1A gene. It is expected to result in an absent or disrupted protein product. Loss-of-function variants in SCN1A are known to be pathogenic (PMID: 17347258, 18930999).

Literature cited by the submitters: PubMed 17347258; PubMed 18930999.

NM_001165963.4(SCN1A):c.2751del (p.Asp918fs)

Gene: SCN1A (sodium voltage-gated channel alpha subunit 1; minus strand). Cytogenetic location: 2q24.3.
Variant type: Deletion.
Coding change: c.2751del on transcript NM_001165963.4 (MANE Select); coding-DNA position 2751, one base deleted (A; older notation c.2751delA).
Protein change: p.Asp918fs; shifts the reading frame from aspartic acid 918.
Molecular consequence: frameshift variant. On other transcripts: non-coding transcript variant (1).
Genome position (GRCh38, 1-based): chr2:166,037,971, T deleted on the plus strand (A on the coding strand, the reverse complement: SCN1A is on the minus strand); the first of 3 consecutive T bases (chr2:166,037,971-166,037,973); deleting any one gives the same sequence. VCF-style (leftmost placement, unchanged base first): chr2-166037970-CT-C. GRCh37 (hg19) VCF-style: chr2-166894480-CT-C.
Other names: c.2667del, p.Asp890fs (NM_001165964.3, NM_001353957.2, NM_001353958.2); c.2751del, p.Asp918fs (NM_001202435.3, NM_001353948.2); c.2718del, p.Asp907fs (NM_001353949.2, NM_001353950.2, NM_001353951.2 and 2 more transcripts); c.2715del, p.Asp906fs (NM_001353954.2, NM_001353955.2); c.2664del, p.Asp889fs (NM_001353960.2); c.309del, p.Asp104fs (NM_001353961.2); short protein forms D906fs, D918fs, D104fs, D889fs, D907fs, D890fs.
Identifiers: ClinVar variation 2025638 (VCV002025638.4), dbSNP rs2468098068, ClinGen allele CA2580064536.